The following is an entry in ClinVar:

NM_001354604.2(MITF):c.218G>A (p.Arg73His)

Gene: MITF (melanocyte inducing transcription factor; plus strand). Cytogenetic location: 3p13.
Variant type: single nucleotide variant.
Coding change: c.218G>A on transcript NM_001354604.2 (MANE Select); coding-DNA position 218, G replaced by A.
Protein change: p.Arg73His; replaces arginine 73 with histidine.
Molecular consequence: missense variant.
Genome position (GRCh38, 1-based): chr3:69,879,247, G>A. VCF-style: chr3-69879247-G-A. GRCh37 (hg19) VCF-style: chr3-69928398-G-A.
Other names: c.62G>A, p.Arg21His (NM_001184967.2, NM_001354608.2); c.215G>A, p.Arg72His (NM_001354605.2, NM_001354606.2, NM_006722.3); c.167G>A, p.Arg56His (NM_001354607.2); c.218G>A, p.Arg73His (NM_198159.3); c.170G>A, p.Arg57His (NM_198177.3); short protein forms R21H, R56H, R57H, R72H, R73H.
Identifiers: ClinVar variation 3377783 (VCV003377783.8).
Genomic context (GRCh38, chr3:69,879,247, plus strand): 5'-TGACATCACGCATCTTGCTACGCCAGCAACTCATGCGTGAGCAGATGCAGGAGCAGGAGC[G>A]CAGGGAGCAGCAGCAGAAGCTGCAGGCGGCCCAGTTCATGCAACAGAGAGTGCCCGTGAG-3'
Protein context (NP_001341533.1, residues 63-83): LMREQMQEQE[Arg73His]REQQQKLQAA

ClinVar aggregate classification (germline): Uncertain significance. Review status: criteria provided, multiple submitters, no conflicts (2 of 4 stars). 2 submissions from 2 submitters: Uncertain significance (2). Last evaluated 2025-04-01.

Conditions:
Melanoma, cutaneous malignant, susceptibility to, 8. Also called: MELANOMA AND RENAL CELL CARCINOMA, SUSCEPTIBILITY TO; Cutaneous malignant melanoma 8. Identifiers: Orphanet 293822, MedGen C3152204, MONDO:0013759, OMIM 614456.

gnomAD v4.1: 51 of 1,614,094 alleles (0.0032%); highest among the groups gnomAD compares: Non-Finnish European, 0.0036%; no homozygotes.

Submissions (2):

CeGaT Center for Human Genetics Tuebingen
Classification: Uncertain significance. Last evaluated: 2025-04-01. Review status: criteria provided, single submitter. Criteria: CeGaT Center For Human Genetics Tuebingen Variant Classification Criteria Version 2. Collection method: clinical testing. Allele origin: germline. Affected: yes. Observed: 1 variant allele.
Comment: MITF: PM2

St. Jude Molecular Pathology, St. Jude Children's Research Hospital
Classification: Uncertain significance for Melanoma, cutaneous malignant, susceptibility to, 8. Last evaluated: 2023-12-25. Review status: criteria provided, single submitter. Criteria: St. Jude Assertion Criteria 2020. Collection method: clinical testing. Allele origin: germline.
Comment: The MITF c.218G>A (p.Arg73His) missense change has a maximum population frequency of 0.003% in gnomAD v2.1.1. The in silico tool REVEL predicts a benign effect on protein function, but to our knowledge this prediction has not been confirmed by functional studies. To our knowledge, this variant has not been reported in individuals with melanoma or renal cell carcinoma. In summary, the evidence currently available is insufficient to determine the clinical significance of this variant. It has therefore been classified as of uncertain significance.